The following is an entry in ClinVar:

ClinVar aggregate classification (germline): Uncertain significance. Review status: criteria provided, multiple submitters, no conflicts (2 of 4 stars). 2 submissions from 2 submitters: Uncertain significance (2). Last evaluated 2025-03-07.

Conditions:
Exudative vitreoretinopathy 4 (EVR4). Identifiers: Orphanet 891, MedGen C1866176, MONDO:0011151, OMIM 601813.
Osteoporosis with pseudoglioma (OPPG). Also called: osteoporosis-pseudoglioma syndrome. Identifiers: Orphanet 2788, MedGen C0432252, MONDO:0009820, OMIM 259770.
Autosomal dominant osteopetrosis 1 (OPTA1). Also called: OSTEOPETROSIS, AUTOSOMAL DOMINANT, TYPE I. Identifiers: Orphanet 2783, MedGen C1843330, MONDO:0011877, OMIM 607634.
Bone mineral density quantitative trait locus 1 (BMND1). Identifiers: MedGen C1866079, OMIM 601884.
Worth disease. Also called: Autosomal dominant osteosclerosis, Worth type; ENDOSTEAL HYPEROSTOSIS, AUTOSOMAL DOMINANT; OSTEOSCLEROSIS, AUTOSOMAL DOMINANT. Identifiers: Orphanet 2790, MedGen C0432273, MONDO:0007764, OMIM 144750.
Polycystic liver disease 4 with or without kidney cysts. Identifiers: MedGen C4693479, MONDO:0044327, OMIM 617875.

Allele frequency attached by ClinVar (database versions not stated): ExAC 0.00001; gnomAD exomes 0.00001 and 0.00002; TOPMed 0.00001; gnomAD 0.00002.

Submissions (2):

Labcorp Genetics (formerly Invitae), Labcorp
Classification: Uncertain significance. Last evaluated: 2025-03-07. Review status: criteria provided, single submitter. Criteria: Invitae Variant Classification Sherloc (09022015). Collection method: clinical testing. Allele origin: germline.
Comment: This sequence change replaces methionine, which is neutral and non-polar, with threonine, which is neutral and polar, at codon 1369 of the LRP5 protein (p.Met1369Thr). This variant is present in population databases (rs746686714, gnomAD 0.006%). This variant has not been reported in the literature in individuals affected with LRP5-related conditions. ClinVar contains an entry for this variant (Variation ID: 938590). Invitae Evidence Modeling of protein sequence and biophysical properties (such as structural, functional, and spatial information, amino acid conservation, physicochemical variation, residue mobility, and thermodynamic stability) indicates that this missense variant is not expected to disrupt LRP5 protein function with a negative predictive value of 95%. In summary, the available evidence is currently insufficient to determine the role of this variant in disease. Therefore, it has been classified as a Variant of Uncertain Significance.

Fulgent Genetics
Classification: Uncertain significance for Worth disease; Osteoporosis with pseudoglioma; Exudative vitreoretinopathy 4; Bone mineral density quantitative trait locus 1; Autosomal dominant osteopetrosis 1; Polycystic liver disease 4 with or without kidney cysts. Last evaluated: 2024-01-08. Review status: criteria provided, single submitter. Criteria: ACMG Guidelines, 2015. Collection method: clinical testing. Allele origin: germline.

NM_002335.4(LRP5):c.4106T>C (p.Met1369Thr)

Gene: LRP5 (LDL receptor related protein 5; plus strand). Cytogenetic location: 11q13.2.
Variant type: single nucleotide variant.
Coding change: c.4106T>C on transcript NM_002335.4 (MANE Select); coding-DNA position 4106, T replaced by C.
Protein change: p.Met1369Thr; replaces methionine 1369 with threonine.
Molecular consequence: missense variant.
Genome position (GRCh38, 1-based): chr11:68,436,994, T>C. VCF-style: chr11-68436994-T-C. GRCh37 (hg19) VCF-style: chr11-68204462-T-C.
Other names: c.2363T>C, p.Met788Thr (NM_001291902.2); short protein forms M788T, M1369T.
Identifiers: ClinVar variation 938590 (VCV000938590.12), dbSNP rs746686714, ClinGen allele CA6150235.